The following is an entry in ClinVar:

ClinVar aggregate classification (germline): Uncertain significance (1 of 4 stars; one submission).

Submission:

GeneDx
Classification: Uncertain significance. Last evaluated: 2023-12-13. Review status: criteria provided, single submitter. Criteria: GeneDx Variant Classification Process June 2021. Collection method: clinical testing. Allele origin: germline. Affected: yes.
Comment: Not observed at significant frequency in large population cohorts (gnomAD); In silico analysis supports that this missense variant does not alter protein structure/function; Has not been previously published as pathogenic or benign to our knowledge

NM_003482.4(KMT2D):c.12216C>G (p.Asp4072Glu)

Gene: KMT2D (lysine methyltransferase 2D; minus strand). Cytogenetic location: 12q13.12.
Variant type: single nucleotide variant.
Coding change: c.12216C>G on transcript NM_003482.4 (MANE Select); coding-DNA position 12216, C replaced by G.
Protein change: p.Asp4072Glu; replaces aspartic acid 4072 with glutamic acid.
Molecular consequence: missense variant.
Genome position (GRCh38, 1-based): chr12:49,032,489, G>C on the plus strand (C>G on the coding strand, the complement: KMT2D is on the minus strand). VCF-style: chr12-49032489-G-C. GRCh37 (hg19) VCF-style: chr12-49426272-G-C.
Other names: short protein forms D4072E.
Identifiers: ClinVar variation 3365522 (VCV003365522.1).